The following is an entry in ClinVar:

NM_000044.6(AR):c.393C>A (p.Cys131Ter)

Gene: AR (androgen receptor; plus strand). Cytogenetic location: Xq12.
Variant type: single nucleotide variant.
Coding change: c.393C>A on transcript NM_000044.6 (MANE Select); coding-DNA position 393, C replaced by A.
Protein change: p.Cys131Ter; replaces cysteine 131 with a stop codon.
Molecular consequence: nonsense. On other transcripts: 5 prime UTR variant (1).
Genome position (GRCh38, 1-based): chrX:67,545,539, C>A. VCF-style: chrX-67545539-C-A. GRCh37 (hg19) VCF-style: chrX-66765381-C-A.
Other names: c.-1391C>A (NM_001011645.3); c.393C>A, p.Cys131Ter (NM_001348061.1, NM_001348063.1, NM_001348064.1); short protein forms C131*.
Identifiers: ClinVar variation 430058 (VCV000430058.2), dbSNP rs1131691761, ClinGen allele CA413424599.

ClinVar aggregate classification (germline): Pathogenic (1 of 4 stars; one submission).

Submission:

GeneDx
Classification: Pathogenic. Last evaluated: 2015-10-01. Review status: criteria provided, single submitter. Criteria: GeneDx Variant Classification (06012015). Collection method: clinical testing. Allele origin: germline. Affected: yes.
Comment: The C131X nonsense variant in the AR gene has been reported previously as C129X, usingalternative nomenclature, in association with androgen insensitivity syndrome (Cai et al., 2012). This pathogenic variant ispredicted to cause loss of normal protein function either through protein truncation or nonsense-mediated mRNA decay. The C131X variant was not observed in approximately 6,400 individualsof European and African American ancestry in the NHLBI Exome Sequencing Project, indicating itis not a common benign variant in these populations.